The following is an entry in ClinVar:

NM_004750.5(CRLF1):c.397C>T (p.Leu133=)

Gene: CRLF1 (cytokine receptor like factor 1; minus strand). Cytogenetic location: 19p13.11.
Variant type: single nucleotide variant.
Coding change: c.397C>T on transcript NM_004750.5 (MANE Select); coding-DNA position 397, C replaced by T.
Protein change: p.Leu133=; no amino-acid change (leucine 133 retained).
Molecular consequence: synonymous variant.
Genome position (GRCh38, 1-based): chr19:18,599,565, G>A on the plus strand (C>T on the coding strand, the complement: CRLF1 is on the minus strand). VCF-style: chr19-18599565-G-A. GRCh37 (hg19) VCF-style: chr19-18710375-G-A.
Identifiers: ClinVar variation 2294560 (VCV002294560.2), dbSNP rs747750093, ClinGen allele CA9314267.

ClinVar aggregate classification (germline): Uncertain significance (1 of 4 stars; one submission).

Conditions:
Inborn genetic diseases. Identifiers: MedGen C0950123, MeSH D030342.

Allele frequency attached by ClinVar (database versions not stated): gnomAD 0.00001; gnomAD exomes 0.00002; ExAC 0.00007.
gnomAD v4.1: 30 of 1,612,198 alleles (0.0019%); highest among the groups gnomAD compares: South Asian, 0.032%; no homozygotes.

Submission:

Ambry Genetics
Classification: Uncertain significance for Inborn genetic diseases. Last evaluated: 2022-07-22. Review status: criteria provided, single submitter. Criteria: Ambry Variant Classification Scheme 2023. Collection method: clinical testing. Allele origin: germline.
Comment: The c.397C>T (p.L133L) alteration is located in exon 2 (coding exon 2) of the CRLF1 gene. This alteration consists of a C to T substitution at nucleotide position 397. This nucleotide substitution does not change the amino acid at codon 133. However, this change occurs in the last nucleotide of Exon 2 (c.116_397) which makes it likely to have some effect on normal mRNA splicing. Based on insufficient or conflicting evidence, the clinical significance of this alteration remains unclear.